The following is an entry in ClinVar:

ClinVar aggregate classification (germline): Conflicting classifications of pathogenicity. Review status: criteria provided, conflicting classifications (1 of 4 stars). 3 submissions from 3 submitters: Uncertain significance (1); Likely benign (1). 1 of the submissions does not count toward it. Last evaluated 2025-09-26.

Conditions:
Primary ciliary dyskinesia. Also called: Ciliary dyskinesia. Identifiers: Orphanet 244, MedGen C0008780, MONDO:0016575, HP:0012265.

Allele frequency attached by ClinVar (database versions not stated): TOPMed 0.00003; ExAC 0.00004; gnomAD 0.00004; gnomAD exomes 0.00004; ESP Exome Variant Server 0.00008.
gnomAD v4.1: 151 of 1,613,206 alleles (0.0094%); highest among the groups gnomAD compares: Non-Finnish European, 0.012%; no homozygotes.

Submissions (3):

Labcorp Genetics (formerly Invitae), Labcorp
Classification: Likely benign for Primary ciliary dyskinesia. Last evaluated: 2025-09-26. Review status: criteria provided, single submitter. Criteria: Invitae Variant Classification Sherloc (09022015). Collection method: clinical testing. Allele origin: germline.

Ambry Genetics
Classification: Uncertain significance for Primary ciliary dyskinesia. Last evaluated: 2015-12-01. Review status: criteria provided, single submitter. Criteria: Ambry Variant Classification Scheme 2023. Collection method: clinical testing. Allele origin: germline.
Comment: The p.I3012F variant (also known as c.9034A>T), located in coding exon 54 of the DNAH5 gene, results from an A to T substitution at nucleotide position 9034. The isoleucine at codon 3012 is replaced by phenylalanine, an amino acid with highly similar properties. This variant was previously reported in the SNPDatabase as rs368476008. Based on data from the NHLBI Exome Sequencing Project (ESP), the T allele has an overall frequency of approximately 0.01% (1/13006) total alleles studied and 0.01% (1/8600) European American alleles. Allele frequency data for this nucleotide position is not currently available from the 1000 Genomes Project. This amino acid position is not well conserved in available vertebrate species. In addition, this alteration is predicted to be tolerated by in silico analysis. Since supporting evidence is limited at this time, the clinical significance of this variant remains unclear.

Natera, Inc.
Classification: Uncertain significance for Primary ciliary dyskinesia. Last evaluated: 2019-10-28. Review status: no assertion criteria provided. Collection method: clinical testing. Allele origin: germline. Not counted in ClinVar's aggregate classification.

NM_001369.3(DNAH5):c.9034A>T (p.Ile3012Phe)

Gene: DNAH5 (dynein axonemal heavy chain 5; minus strand). Cytogenetic location: 5p15.2.
Variant type: single nucleotide variant.
Coding change: c.9034A>T on transcript NM_001369.3 (MANE Select); coding-DNA position 9034, A replaced by T.
Protein change: p.Ile3012Phe; replaces isoleucine 3012 with phenylalanine.
Molecular consequence: missense variant.
Genome position (GRCh38, 1-based): chr5:13,777,273, T>A on the plus strand (A>T on the coding strand, the complement: DNAH5 is on the minus strand). VCF-style: chr5-13777273-T-A. GRCh37 (hg19) VCF-style: chr5-13777382-T-A.
Other names: short protein forms I3012F.
Identifiers: ClinVar variation 570659 (VCV000570659.13), dbSNP rs368476008, ClinGen allele CA3202637.